The following is an entry in ClinVar:

ClinVar aggregate classification (germline): Uncertain significance (1 of 4 stars; one submission).

Conditions:
Hereditary cancer-predisposing syndrome. Also called: Tumor predisposition; Hereditary Cancer Syndrome; Hereditary neoplastic syndrome; Neoplastic Syndromes, Hereditary. Identifiers: Orphanet 140162, MedGen C0027672, MeSH D009386, MONDO:0015356.

Submission:

Ambry Genetics
Classification: Uncertain significance for Hereditary cancer-predisposing syndrome. Last evaluated: 2023-11-15. Review status: criteria provided, single submitter. Criteria: Ambry Variant Classification Scheme 2023. Collection method: clinical testing. Allele origin: germline.
Comment: The c.7308-3A>T intronic variant results from an A to T substitution 3 nucleotides upstream from coding exon 49 in the ATM gene. This nucleotide position is well conserved in available vertebrate species. In silico splice site analysis predicts that this alteration will not have any significant effect on splicing. Since supporting evidence is limited at this time, the clinical significance of this alteration remains unclear.

NM_000051.4(ATM):c.7308-3A>T

Genes: ATM (ATM serine/threonine kinase; plus strand), C11orf65 (chromosome 11 open reading frame 65; minus strand). Cytogenetic location: 11q22.3.
Variant type: single nucleotide variant.
Coding change: c.7308-3A>T on transcript NM_000051.4 (MANE Select); 3 bases into the intron before coding-DNA position 7308, A replaced by T.
Molecular consequence: intron variant.
Genome position (GRCh38, 1-based): chr11:108,330,211, A>T. VCF-style: chr11-108330211-A-T. GRCh37 (hg19) VCF-style: chr11-108200938-A-T.
Other names: c.7308-3A>T (NM_001351834.2); c.641-21140T>A (NM_001330368.2); c.*38+5009T>A (NM_001351110.2).
Identifiers: ClinVar variation 3222823 (VCV003222823.1), dbSNP rs2136451104, ClinGen allele CA2725247223.